The following is an entry in ClinVar:

NM_000257.4(MYH7):c.2869C>G (p.Leu957Val)

Gene: MYH7 (myosin heavy chain 7; minus strand). Cytogenetic location: 14q11.2.
Variant type: single nucleotide variant.
Coding change: c.2869C>G on transcript NM_000257.4 (MANE Select); coding-DNA position 2869, C replaced by G.
Protein change: p.Leu957Val; replaces leucine 957 with valine.
Molecular consequence: missense variant.
Genome position (GRCh38, 1-based): chr14:23,423,960, G>C on the plus strand (C>G on the coding strand, the complement: MYH7 is on the minus strand). VCF-style: chr14-23423960-G-C. GRCh37 (hg19) VCF-style: chr14-23893169-G-C.
Other names: c.2869C>G, p.Leu957Val (NM_001407004.1); short protein forms L957V.
Identifiers: ClinVar variation 3387326 (VCV003387326.1).

ClinVar aggregate classification (germline): Uncertain significance (1 of 4 stars; one submission).

Conditions:
Cardiomyopathy (CMYO). Also called: Cardiomyopathies. Identifiers: Orphanet 167848, MedGen C0878544, MONDO:0004994, HP:0001638. Inheritance: Various modes of inheritance.

Submission:

All of Us Research Program, National Institutes of Health
Classification: Uncertain significance for Cardiomyopathy. Last evaluated: 2024-03-24. Review status: criteria provided, single submitter. Criteria: ACMG Guidelines, 2015. Collection method: clinical testing. Allele origin: germline. Inheritance: Autosomal dominant inheritance. Observed: 1 variant allele, 1 heterozygote.
Comment: This missense variant replaces leucine with valine at codon 957 of the MYH7 protein. Computational prediction suggests that this variant may have deleterious impact on protein structure and function (internally defined REVEL score threshold >= 0.7, PMID: 27666373). To our knowledge, functional studies have not been reported for this variant. This variant has not been reported in individuals affected with MYH7-related disorders in the literature. This variant has not been identified in the general population by the Genome Aggregation Database (gnomAD). The available evidence is insufficient to determine the role of this variant in disease conclusively. Therefore, this variant is classified as a Variant of Uncertain Significance.

This study involves interpretation of variants in research participants for the purpose of population health screening. Participant phenotype was not available at the time of variant classification. Additional details can be found in publication PMID: 35346344, PMCID: PMC8962531